The following is an entry in ClinVar:

NM_004281.4(BAG3):c.415C>T (p.Arg139Trp)

Gene: BAG3 (BAG cochaperone 3; plus strand). Cytogenetic location: 10q26.11.
Variant type: single nucleotide variant.
Coding change: c.415C>T on transcript NM_004281.4 (MANE Select); coding-DNA position 415, C replaced by T.
Protein change: p.Arg139Trp; replaces arginine 139 with tryptophan.
Molecular consequence: missense variant.
Genome position (GRCh38, 1-based): chr10:119,670,085, C>T. VCF-style: chr10-119670085-C-T. GRCh37 (hg19) VCF-style: chr10-121429597-C-T.
Other names: p.Arg139Trp; short protein forms R139W.
Identifiers: ClinVar variation 298956 (VCV000298956.28), dbSNP rs556465096, ClinGen allele CA5716314.

ClinVar aggregate classification (germline): Conflicting classifications of pathogenicity. Review status: criteria provided, conflicting classifications (1 of 4 stars). 14 submissions from 13 submitters: Uncertain significance (5); Benign (1); Likely benign (7). 1 of the submissions does not count toward it. Last evaluated 2026-01-25.

Conditions:
Cardiovascular phenotype. Identifiers: MedGen CN230736.
BAG3-related disorder. Also called: BAG3-related condition.
Myofibrillar myopathy 6. Identifiers: Orphanet 199340, MedGen C2751831, MONDO:0013061, OMIM 612954.
Dilated cardiomyopathy 1HH (CMD1HH). Identifiers: Orphanet 154, MedGen C3151293, MONDO:0013479, OMIM 613881.
Left ventricular noncompaction 1 (LVNC1). Also called: LEFT VENTRICULAR NONCOMPACTION 1 WITH OR WITHOUT CONGENITAL HEART DEFECTS. Identifiers: Orphanet 54260, MedGen C1858725, MONDO:0011403, OMIM 604169.

Allele frequency attached by ClinVar (database versions not stated): 1000 Genomes Project 0.00020; TOPMed 0.00010; ExAC 0.00011; gnomAD 0.00011; 1000 Genomes Project 30x 0.00016; gnomAD exomes 0.00017.
gnomAD v4.1: 267 of 1,613,680 alleles (0.017%); highest among the groups gnomAD compares: Middle Eastern, 0.049%; no homozygotes.

Submissions (14):

Labcorp Genetics (formerly Invitae), Labcorp
Classification: Likely benign for Dilated cardiomyopathy 1HH; Myofibrillar myopathy 6. Last evaluated: 2026-01-25. Review status: criteria provided, single submitter. Criteria: Invitae Variant Classification Sherloc (09022015). Collection method: clinical testing. Allele origin: germline.

Ambry Genetics
Classification: Uncertain significance for Cardiovascular phenotype. Last evaluated: 2025-09-12. Review status: criteria provided, single submitter. Criteria: Ambry Variant Classification Scheme 2023. Collection method: clinical testing. Allele origin: germline.
Comment: The p.R139W variant (also known as c.415C>T), located in coding exon 2 of the BAG3 gene, results from a C to T substitution at nucleotide position 415. The arginine at codon 139 is replaced by tryptophan, an amino acid with dissimilar properties. This alteration has been reported in a stillbirth cohort (Sahlin E et al. PLoS One, 2019 Jan;14:e0210017). This amino acid position is not well conserved in available vertebrate species. In addition, this alteration is predicted to be tolerated by in silico analysis. Since supporting evidence is limited at this time, the clinical significance of this alteration remains unclear.

Women's Health and Genetics/Laboratory Corporation of America, LabCorp
Classification: Likely benign. Last evaluated: 2025-05-28. Review status: criteria provided, single submitter. Criteria: LabCorp Variant Classification Summary - May 2015. Collection method: clinical testing. Allele origin: germline.
Comment: Variant summary: BAG3 c.415C>T (p.Arg139Trp) results in a non-conservative amino acid change in the encoded protein sequence. Algorithms developed to predict the effect of missense changes on protein structure and function are either unavailable or do not agree on the potential impact of this missense change. The variant allele was found at a frequency of 0.00017 in 250916 control chromosomes. The observed variant frequency is approximately 14-fold of the estimated maximal expected allele frequency for a pathogenic variant in BAG3 causing Dilated cardiomyopathy 1HH phenotype (1.2e-05), suggesting the variant may be benign. c.415C>T has been observed in at least one stillborn individual without evidence of causality (e.g. Sahlin_2019). These report(s) do not provide unequivocal conclusions about association of the variant with Dilated cardiomyopathy 1HH. To our knowledge, no experimental evidence demonstrating an impact on protein function has been reported. The following publication has been ascertained in the context of this evaluation (PMID: 30615648). ClinVar contains an entry for this variant (Variation ID: 298956). Based on the evidence outlined above, the variant was classified as likely benign.

Molecular Diagnostic Laboratory for Inherited Cardiovascular Disease, Montreal Heart Institute
Classification: Likely benign. Last evaluated: 2025-04-09. Review status: criteria provided, single submitter. Criteria: ACMG Guidelines, 2015. Collection method: clinical testing. Allele origin: germline. Affected: no.
Comment: BS1;BP4

Mayo Clinic Laboratories, Mayo Clinic
Classification: Likely benign. Last evaluated: 2025-03-04. Review status: criteria provided, single submitter. Criteria: ACMG Guidelines, 2015. Collection method: clinical testing. Allele origin: germline. Observed: 2 variant alleles.
Comment: BS2, BP4

Blueprint Genetics
Classification: Likely benign. Last evaluated: 2024-11-07. Review status: criteria provided, single submitter. Criteria: ACMG Guidelines, 2015. Collection method: clinical testing. Allele origin: germline.

Neuberg Centre For Genomic Medicine, NCGM
Classification: Uncertain significance for Left ventricular noncompaction 1. Last evaluated: 2024-02-01. Review status: criteria provided, single submitter. Criteria: ACMG Guidelines, 2015. Collection method: clinical testing. Allele origin: germline. Inheritance: Autosomal dominant inheritance.
Comment: The above variant in BAG3 gene has not been reported previously as a pathogenic variant nor as a benign variant, to our knowledge.

Revvity Omics, Revvity
Classification: Uncertain significance. Last evaluated: 2022-04-18. Review status: criteria provided, single submitter. Criteria: ACMG Guidelines, 2015. Collection method: clinical testing. Allele origin: germline.

ARUP Laboratories, Molecular Genetics and Genomics, ARUP Laboratories
Classification: Likely benign. Last evaluated: 2022-03-09. Review status: criteria provided, single submitter. Criteria: ARUP Molecular Germline Variant Investigation Process 2021. Collection method: clinical testing. Allele origin: germline.

Victorian Clinical Genetics Services, Murdoch Childrens Research Institute
Classification: Uncertain significance for Dilated cardiomyopathy 1HH. Last evaluated: 2021-05-06. Review status: criteria provided, single submitter. Criteria: ACMG Guidelines, 2015. Collection method: clinical testing. Allele origin: germline. Inheritance: Autosomal dominant inheritance. Affected: yes.
Comment: Based on the classification scheme VCGS_Germline_v1.3.3, this variant is classified as VUS-3C. Following criteria are met: 0103 - Loss of function and gain of function are known mechanisms of disease in this gene and are associated with dilated cardiomyopathy, 1HH (DCM) (MIM#613881) and myofibrillar myopathy, 6 (MIM#612954). Most variants causing DCM result in a premature termination codon and have a loss of function consequence on protein function (PMID: 30442290). Missense variants have been reported in patients with both conditions, and have a gain of function effect on protein (PMID: 30559338). (I) 0107 - This gene is associated with autosomal dominant disease. (I) 0200 - Variant is predicted to result in a missense amino acid change from arginine to tryptophan. (I) 0251 - This variant is heterozygous. (I) 0302 - Variant is present in gnomAD (v2) <0.001 for a dominant condition (45 heterozygotes, 0 homozygotes). (SP) 0309 - An alternative amino acid change at the same position has been observed in gnomAD (v2) (2 heterozygotes, 0 homozygotes). (I) 0503 - Missense variant consistently predicted to be tolerated by multiple in silico tools or not conserved in placental mammals with a minor amino acid change. (SB) 0600 - Variant is located in the annotated WW2 domain (PDB). (I) 0710 - Another missense variant comparable to the one identified in this case has inconclusive previous evidence for pathogenicity. This variant (p.Arg139Gln) has been reported as a VUS, and observed in a single patient with a cardiomyopathy (ClinVar, PMID: 30847666). (I) 0808 - Previous reports of pathogenicity for this variant are conflicting. This variant has been reported as benign and as a VUS, and has also been observed in a stillbirth cohort (ClinVar, LOVD, PMID: 30615648). (I) 0905 - No published segregation evidence has been identified for this variant. (I) 1007 - No published functional evidence has been identified for this variant. (I) 1208 - Inheritance information for this variant is not currently available in this individual. (I) Legend: (SP) - Supporting pathogenic, (I) - Information, (SB) - Supporting benign

GeneDx
Classification: Likely benign. Last evaluated: 2019-10-25. Review status: criteria provided, single submitter. Criteria: GeneDx Variant Classification Process June 2021. Collection method: clinical testing. Allele origin: germline. Affected: yes.

Illumina Laboratory Services, Illumina
Classification: Benign for Myofibrillar myopathy 6. Last evaluated: 2018-01-13. Review status: criteria provided, single submitter. Criteria: ICSL Variant Classification Criteria 13 December 2019. Collection method: clinical testing. Allele origin: germline.
Comment: This variant was observed in the ICSL laboratory as part of a predisposition screen in an ostensibly healthy population. It had not been previously curated by ICSL or reported in the Human Gene Mutation Database (HGMD: prior to June 1st, 2018), and was therefore a candidate for classification through an automated scoring system. Utilizing variant allele frequency, disease prevalence and penetrance estimates, and inheritance mode, an automated score was calculated to assess if this variant is too frequent to cause the disease. Based on the score and internal cut-off values, a variant classified as benign is not then subjected to further curation. The score for this variant resulted in a classification of benign for this disease.

Illumina Laboratory Services, Illumina
Classification: Uncertain significance for Dilated cardiomyopathy 1HH. Last evaluated: 2018-01-13. Review status: criteria provided, single submitter. Criteria: ICSL Variant Classification Criteria 13 December 2019. Collection method: clinical testing. Allele origin: germline.

PreventionGenetics, part of Exact Sciences
Classification: Likely benign for BAG3-related condition. Last evaluated: 2022-01-31. Review status: no assertion criteria provided. Collection method: clinical testing. Allele origin: germline. Not counted in ClinVar's aggregate classification.
Comment: This variant is classified as likely benign based on ACMG/AMP sequence variant interpretation guidelines (Richards et al. 2015 PMID: 25741868, with internal and published modifications).

Literature cited by the submitters: PubMed 30615648 (cited by 3 submitters); PubMed 30442290 (cited by Victorian Clinical Genetics Services, Murdoch Childrens Research Institute); PubMed 30559338 (cited by Victorian Clinical Genetics Services, Murdoch Childrens Research Institute); PubMed 30847666 (cited by Victorian Clinical Genetics Services, Murdoch Childrens Research Institute).